The following is an entry in ClinVar:

ClinVar aggregate classification (germline): Uncertain significance (1 of 4 stars; one submission).

gnomAD v4.1: 25 of 1,597,536 alleles (0.0016%); highest among the groups gnomAD compares: African/African-American, 0.011%; no homozygotes.

Submission:

Labcorp Genetics (formerly Invitae), Labcorp
Classification: Uncertain significance. Last evaluated: 2025-08-10. Review status: criteria provided, single submitter. Criteria: Invitae Variant Classification Sherloc (09022015). Collection method: clinical testing. Allele origin: germline.
Comment: This sequence change replaces alanine, which is neutral and non-polar, with threonine, which is neutral and polar, at codon 409 of the ITGAM protein (p.Ala409Thr). The frequency data for this variant in the population databases is considered unreliable, as metrics indicate poor data quality at this position in the gnomAD database. This variant has not been reported in the literature in individuals affected with ITGAM-related conditions. An algorithm developed to predict the effect of missense changes on protein structure and function outputs the following: PolyPhen-2: "Benign". The threonine amino acid residue is found in multiple mammalian species, which suggests that this missense change does not adversely affect protein function. In summary, the available evidence is currently insufficient to determine the role of this variant in disease. Therefore, it has been classified as a Variant of Uncertain Significance.

NM_000632.4(ITGAM):c.1225G>A (p.Ala409Thr)

Gene: ITGAM (integrin subunit alpha M; plus strand). Cytogenetic location: 16p11.2.
Variant type: single nucleotide variant.
Coding change: c.1225G>A on transcript NM_000632.4 (MANE Select); coding-DNA position 1225, G replaced by A.
Protein change: p.Ala409Thr; replaces alanine 409 with threonine.
Molecular consequence: missense variant.
Genome position (GRCh38, 1-based): chr16:31,277,978, G>A. VCF-style: chr16-31277978-G-A. GRCh37 (hg19) VCF-style: chr16-31289299-G-A.
Other names: c.1225G>A, p.Ala409Thr (NM_001145808.2); short protein forms A409T.
Identifiers: ClinVar variation 4693408 (VCV004693408.1).